The following is an entry in ClinVar:

ClinVar aggregate classification (germline): Uncertain significance (1 of 4 stars; one submission).

Submission:

Labcorp Genetics (formerly Invitae), Labcorp
Classification: Uncertain significance. Last evaluated: 2021-05-06. Review status: criteria provided, single submitter. Criteria: Invitae Variant Classification Sherloc (09022015). Collection method: clinical testing. Allele origin: germline.
Comment: This sequence change replaces glutamine with glutamic acid at codon 240 of the WHRN protein (p.Gln240Glu). The glutamine residue is highly conserved and there is a small physicochemical difference between glutamine and glutamic acid. This variant is not present in population databases (ExAC no frequency). In summary, the available evidence is currently insufficient to determine the role of this variant in disease. Therefore, it has been classified as a Variant of Uncertain Significance. Algorithms developed to predict the effect of missense changes on protein structure and function (SIFT, PolyPhen-2, Align-GVGD) all suggest that this variant is likely to be tolerated, but these predictions have not been confirmed by published functional studies and their clinical significance is uncertain. This variant has not been reported in the literature in individuals with WHRN-related conditions.

NM_015404.4(WHRN):c.718C>G (p.Gln240Glu)

Gene: WHRN (whirlin; minus strand). Cytogenetic location: 9q32.
Variant type: single nucleotide variant.
Coding change: c.718C>G on transcript NM_015404.4 (MANE Select); coding-DNA position 718, C replaced by G.
Protein change: p.Gln240Glu; replaces glutamine 240 with glutamic acid.
Molecular consequence: missense variant. On other transcripts: 5 prime UTR variant (1).
Genome position (GRCh38, 1-based): chr9:114,478,672, G>C on the plus strand (C>G on the coding strand, the complement: WHRN is on the minus strand). VCF-style: chr9-114478672-G-C. GRCh37 (hg19) VCF-style: chr9-117240952-G-C.
Other names: c.-432C>G (NM_001083885.3); c.718C>G, p.Gln240Glu (NM_001173425.2); short protein forms Q240E.
Identifiers: ClinVar variation 1415446 (VCV001415446.8), dbSNP rs2133132912, ClinGen allele CA374621950.